The following is an entry in ClinVar:

ClinVar aggregate classification (germline): Uncertain significance (1 of 4 stars; one submission).

Submission:

Women's Health and Genetics/Laboratory Corporation of America, LabCorp
Classification: Uncertain significance. Last evaluated: 2026-03-09. Review status: criteria provided, single submitter. Criteria: LabCorp Variant Classification Summary - May 2015. Collection method: clinical testing. Allele origin: germline.
Comment: Variant summary: FAT4 c.2742G>C (p.Gln914His) results in a non-conservative amino acid change in the encoded protein sequence. Algorithms developed to predict the effect of missense changes on protein structure and function are either unavailable or do not agree on the potential impact of this missense change. The variant was absent in 249406 control chromosomes. The available data on variant occurrences in the general population are insufficient to allow any conclusion about variant significance. To our knowledge, no occurrence of c.2742G>C in individuals affected with FAT4-related conditions and no experimental evidence demonstrating its impact on protein function have been reported. No submitters have cited clinical-significance assessments for this variant to ClinVar. Based on the evidence outlined above, the variant was classified as uncertain significance.

NM_001291303.3(FAT4):c.2742G>C (p.Gln914His)

Gene: FAT4 (FAT atypical cadherin 4; plus strand). Cytogenetic location: 4q28.1.
Variant type: single nucleotide variant.
Coding change: c.2742G>C on transcript NM_001291303.3 (MANE Select); coding-DNA position 2742, G replaced by C.
Protein change: p.Gln914His; replaces glutamine 914 with histidine.
Molecular consequence: missense variant. On other transcripts: intron variant (1).
Genome position (GRCh38, 1-based): chr4:125,319,153, G>C. VCF-style: chr4-125319153-G-C. GRCh37 (hg19) VCF-style: chr4-126240308-G-C.
Other names: c.2742G>C, p.Gln914His (NM_001291285.3, NM_001438396.1, NM_001438397.1 and 1 more transcripts); c.-55+3176G>C (NM_001437895.1); short protein forms Q914H.
Identifiers: ClinVar variation 4847365 (VCV004847365.1).
Genomic context (GRCh38, chr4:125,319,153, plus strand): 5'-TCAGGCAATAGAGAGTGTAAATGTGGTGGAGAATTGGCAGGCAGGTCACAGCATTTTCCA[G>C]GCCAAAGCTGTGGACCCTGATGAAGGTGTCAATGGCATGGTACTCTATAGTCTGAAGCAA-3'
Protein context (NP_001278232.1, residues 904-924): ENWQAGHSIF[Gln914His]AKAVDPDEGV